The following is an entry in ClinVar:

ClinVar aggregate classification (germline): Benign (1 of 4 stars; one submission).

Conditions:
DICER1-related tumor predisposition. Also called: DICER1 syndrome; DICER1-related pleuropulmonary blastoma cancer predisposition syndrome. Identifiers: Orphanet 284343, MedGen C3839822, MONDO:0100216.

gnomAD v4.1: 1 of 1,613,316 alleles (0.000062%); highest among the groups gnomAD compares: Non-Finnish European, 0.000085%; no homozygotes.

Submission:

Myriad Genetics, Inc.
Classification: Benign for DICER1-related tumor predisposition. Last evaluated: 2026-08-18. Review status: criteria provided, single submitter. Criteria: Myriad Autosomal Dominant, Autosomal Recessive and X-Linked Classification Criteria (2023). Collection method: clinical testing. Allele origin: unknown.
Comment: This variant is considered benign. This variant occurs in the non-coding 3' untranslated region of the gene, and is not expected to impact protein function.

NM_177438.3(DICER1):c.*5G>T

Gene: DICER1 (dicer 1, ribonuclease III; minus strand). Cytogenetic location: 14q32.13.
Variant type: single nucleotide variant.
Coding change: c.*5G>T on transcript NM_177438.3 (MANE Select); 5 bases downstream of the stop codon, G replaced by T.
Molecular consequence: 3 prime UTR variant. On other transcripts: non-coding transcript variant (4).
Genome position (GRCh38, 1-based): chr14:95,090,493, C>A on the plus strand (G>T on the coding strand, the complement: DICER1 is on the minus strand). VCF-style: chr14-95090493-C-A. GRCh37 (hg19) VCF-style: chr14-95556830-C-A.
Other names: c.*5G>T (NM_030621.4, NM_001271282.3, NM_001291628.2 and 14 more transcripts); c.*121G>T (NM_001195573.1).
Identifiers: ClinVar variation 5042164 (VCV005042164.1).
Genomic context (GRCh38, chr14:95,090,493, plus strand): 5'-ATTTAAATAATTTTCCCCTTAATTTTTTTTGTTTTGTTTCTTGTTTTGAATTTTAAAAAG[C>A]GGTTTCAGCTATTGGGAACCTGAGGTTGATTAGCTTTGAGGCTTCGGAGGGCTCTTCTTG-3'